The following is an entry in ClinVar:

NM_001382391.1(CSPP1):c.1708G>A (p.Gly570Arg)

Gene: CSPP1 (centrosome and spindle pole associated protein 1; plus strand). Cytogenetic location: 8q13.2.
Variant type: single nucleotide variant.
Coding change: c.1708G>A on transcript NM_001382391.1 (MANE Select); coding-DNA position 1708, G replaced by A.
Protein change: p.Gly570Arg; replaces glycine 570 with arginine.
Molecular consequence: missense variant.
Genome position (GRCh38, 1-based): chr8:67,131,961, G>A. VCF-style: chr8-67131961-G-A. GRCh37 (hg19) VCF-style: chr8-68044196-G-A.
Other names: c.811G>A, p.Gly271Arg (NM_001291339.2); c.1627G>A, p.Gly543Arg (NM_001363131.2); c.1666G>A, p.Gly556Arg (NM_001363132.2); c.1585G>A, p.Gly529Arg (NM_001363133.2); c.1774G>A, p.Gly592Arg (NM_001364869.1); c.1594G>A, p.Gly532Arg (NM_001364870.1); c.1693G>A, p.Gly565Arg (NM_024790.7); short protein forms G271R, G532R, G570R, G529R, G565R, G543R, G592R, G556R.
Identifiers: ClinVar variation 1469893 (VCV001469893.7), dbSNP rs2129554180, ClinGen allele CA371203447.

ClinVar aggregate classification (germline): Uncertain significance. Review status: criteria provided, single submitter (1 of 4 stars). 2 submissions from 2 submitters: Uncertain significance (1). 1 of the submissions does not count toward it. Last evaluated 2021-10-15.

Conditions:
Joubert syndrome 21 (JBTS21). Identifiers: MedGen C3810212, MONDO:0014288, OMIM 615636.
Retinal dystrophy. Also called: Inherited retinal dystrophy. Identifiers: Orphanet 71862, MedGen C0854723, MeSH D058499, MONDO:0019118, HP:0000556.

Allele frequency attached by ClinVar (database versions not stated): gnomAD exomes below 0.00001.
gnomAD v4.1: 3 of 1,608,626 alleles (0.00019%); highest among the groups gnomAD compares: African/African-American, 0.0013%; no homozygotes.

Submissions (2):

Labcorp Genetics (formerly Invitae), Labcorp
Classification: Uncertain significance for Joubert syndrome 21. Last evaluated: 2021-10-15. Review status: criteria provided, single submitter. Criteria: Invitae Variant Classification Sherloc (09022015). Collection method: clinical testing. Allele origin: germline.
Comment: In summary, the available evidence is currently insufficient to determine the role of this variant in disease. Therefore, it has been classified as a Variant of Uncertain Significance. Algorithms developed to predict the effect of sequence changes on RNA splicing suggest that this variant may create or strengthen a splice site. Algorithms developed to predict the effect of missense changes on protein structure and function output the following: SIFT: "Tolerated"; PolyPhen-2: "Benign"; Align-GVGD: "Class C0". The arginine amino acid residue is found in multiple mammalian species, which suggests that this missense change does not adversely affect protein function. This variant has not been reported in the literature in individuals affected with CSPP1-related conditions. This variant is not present in population databases (ExAC no frequency). This sequence change replaces glycine with arginine at codon 565 of the CSPP1 protein (p.Gly565Arg). The glycine residue is moderately conserved and there is a moderate physicochemical difference between glycine and arginine.

Institute of Human Genetics, Univ. Regensburg, Univ. Regensburg
Classification: Uncertain significance for Retinal dystrophy. Last evaluated: 2022-01-01. Review status: no assertion criteria provided. Criteria: ACMG Guidelines, 2015. Collection method: clinical testing. Allele origin: germline. Affected: yes. Not counted in ClinVar's aggregate classification.